The following is an entry in ClinVar:

NM_001166114.2(PNPLA6):c.1336G>C (p.Gly446Arg)

Gene: PNPLA6 (patatin like domain 6, lysophospholipase; plus strand). Cytogenetic location: 19p13.2.
Variant type: single nucleotide variant.
Coding change: c.1336G>C on transcript NM_001166114.2 (MANE Select); coding-DNA position 1336, G replaced by C.
Protein change: p.Gly446Arg; replaces glycine 446 with arginine.
Molecular consequence: missense variant.
Genome position (GRCh38, 1-based): chr19:7,542,644, G>C. VCF-style: chr19-7542644-G-C. GRCh37 (hg19) VCF-style: chr19-7607530-G-C.
Other names: c.1363G>C, p.Gly455Arg (NM_001166111.2); c.1219G>C, p.Gly407Arg (NM_001166112.2, NM_001166113.1, NM_006702.5); short protein forms G446R, G407R, G455R.
Identifiers: ClinVar variation 893413 (VCV000893413.17), dbSNP rs573529919, ClinGen allele CA9139768.

ClinVar aggregate classification (germline): Uncertain significance. Review status: criteria provided, multiple submitters, no conflicts (2 of 4 stars). 4 submissions from 4 submitters: Uncertain significance (4). Last evaluated 2025-04-07.

Conditions:
Hereditary spastic paraplegia 39 (SPG39). Also called: SPASTIC PARAPLEGIA 39, AUTOSOMAL RECESSIVE; Spastic Paraplegia Type 39 (SPG39). Identifiers: Orphanet 139480, MedGen C2677586, MONDO:0012787, OMIM 612020.
Hereditary spastic paraplegia. Also called: Familial spastic paraparesis. Identifiers: Orphanet 685, MedGen C0037773, MONDO:0019064. Disease mechanism: loss of function.
Inborn genetic diseases. Identifiers: MedGen C0950123, MeSH D030342.

Allele frequency attached by ClinVar (database versions not stated): gnomAD 0.00001 and 0.00002; TOPMed 0.00001; 1000 Genomes Project 0.00020; 1000 Genomes Project 30x 0.00031.
gnomAD v4.1: 23 of 1,612,926 alleles (0.0014%); highest among the groups gnomAD compares: Middle Eastern, 0.017%; no homozygotes.

Submissions (4):

Ambry Genetics
Classification: Uncertain significance for Inborn genetic diseases. Last evaluated: 2025-04-07. Review status: criteria provided, single submitter. Criteria: Ambry Variant Classification Scheme 2023. Collection method: clinical testing. Allele origin: germline.

Labcorp Genetics (formerly Invitae), Labcorp
Classification: Uncertain significance for Hereditary spastic paraplegia 39. Last evaluated: 2024-01-08. Review status: criteria provided, single submitter. Criteria: Invitae Variant Classification Sherloc (09022015). Collection method: clinical testing. Allele origin: germline.
Comment: This sequence change replaces glycine, which is neutral and non-polar, with arginine, which is basic and polar, at codon 407 of the PNPLA6 protein (p.Gly407Arg). This variant is present in population databases (rs573529919, gnomAD 0.01%). This variant has not been reported in the literature in individuals affected with PNPLA6-related conditions. ClinVar contains an entry for this variant (Variation ID: 893413). Advanced modeling of protein sequence and biophysical properties (such as structural, functional, and spatial information, amino acid conservation, physicochemical variation, residue mobility, and thermodynamic stability) performed at Invitae indicates that this missense variant is not expected to disrupt PNPLA6 protein function with a negative predictive value of 95%. In summary, the available evidence is currently insufficient to determine the role of this variant in disease. Therefore, it has been classified as a Variant of Uncertain Significance.

Genome Diagnostics Laboratory, The Hospital for Sick Children
Classification: Uncertain significance for Hereditary spastic paraplegia. Last evaluated: 2018-03-01. Review status: criteria provided, single submitter. Criteria: ACMG Guidelines, 2015. Collection method: clinical testing. Allele origin: germline. Affected: yes.

Illumina Laboratory Services, Illumina
Classification: Uncertain significance for Hereditary spastic paraplegia 39. Last evaluated: 2017-04-27. Review status: criteria provided, single submitter. Criteria: ICSL Variant Classification Criteria 13 December 2019. Collection method: clinical testing. Allele origin: germline.